The following is an entry in ClinVar:

NM_024503.5(HIVEP3):c.6759C>T (p.Ser2253=)

Gene: HIVEP3 (HIVEP zinc finger 3; minus strand). Cytogenetic location: 1p34.2.
Variant type: single nucleotide variant.
Coding change: c.6759C>T on transcript NM_024503.5 (MANE Select); coding-DNA position 6759, C replaced by T.
Protein change: p.Ser2253=; no amino-acid change (serine 2253 retained).
Molecular consequence: synonymous variant.
Genome position (GRCh38, 1-based): chr1:41,510,913, G>A on the plus strand (C>T on the coding strand, the complement: HIVEP3 is on the minus strand). VCF-style: chr1-41510913-G-A. GRCh37 (hg19) VCF-style: chr1-41976584-G-A.
Other names: c.6756C>T, p.Ser2252= (NM_001127714.3).
Identifiers: ClinVar variation 3039100 (VCV003039100.2), dbSNP rs141679288, ClinGen allele CA797112.

ClinVar aggregate classification (germline): Likely benign (0 of 4 stars; one submission).

Conditions:
HIVEP3-related disorder. Also called: HIVEP3-related condition.

Allele frequency attached by ClinVar (database versions not stated): ExAC 0.00041; gnomAD 0.00052; TOPMed 0.00054; 1000 Genomes Project 30x 0.00062; ESP Exome Variant Server 0.00062; 1000 Genomes Project 0.00080.
gnomAD v4.1: 437 of 1,613,548 alleles (0.027%); highest among the groups gnomAD compares: East Asian, 0.2%; 1 homozygote.

Submission:

PreventionGenetics, part of Exact Sciences
Classification: Likely benign for HIVEP3-related condition. Last evaluated: 2019-03-12. Review status: no assertion criteria provided. Collection method: clinical testing. Allele origin: germline.
Comment: This variant is classified as likely benign based on ACMG/AMP sequence variant interpretation guidelines (Richards et al. 2015 PMID: 25741868, with internal and published modifications).